The following is an entry in ClinVar:

ClinVar aggregate classification (germline): Likely benign. Review status: criteria provided, multiple submitters, no conflicts (2 of 4 stars). 4 submissions from 4 submitters: Likely benign (4). Last evaluated 2025-11-10.

Conditions:
Cardiomyopathy (CMYO). Also called: Cardiomyopathies. Identifiers: Orphanet 167848, MedGen C0878544, MONDO:0004994, HP:0001638. Inheritance: Various modes of inheritance.
TTN-related disorder. Also called: TTN-related disorders; TTN-related condition; TTN-related disease.
Dilated cardiomyopathy 1G (CMD1G). Identifiers: Orphanet 154, MedGen C1858763, MONDO:0011400, OMIM 604145.
Autosomal recessive limb-girdle muscular dystrophy type 2J (LGMDR10). Also called: Limb-girdle muscular dystrophy, type 2J; MUSCULAR DYSTROPHY, LIMB-GIRDLE, AUTOSOMAL RECESSIVE 10. Identifiers: Orphanet 140922, MedGen C1837342, MONDO:0012127, OMIM 608807.

Allele frequency attached by ClinVar (database versions not stated): gnomAD exomes below 0.00001 and 0.00001; gnomAD 0.00003; ESP Exome Variant Server 0.00009; TOPMed 0.00001.
gnomAD v4.1: 9 of 1,611,698 alleles (0.00056%); highest among the groups gnomAD compares: African/African-American, 0.0094%; no homozygotes.

Submissions (4):

PreventionGenetics, part of Exact Sciences
Classification: Likely benign for TTN-related condition. Last evaluated: 2025-11-10. Review status: criteria provided, single submitter. Criteria: ACMG Guidelines, 2015. Collection method: clinical testing. Allele origin: germline.
Comment: This variant is classified as likely benign based on ACMG/AMP sequence variant interpretation guidelines (Richards et al. 2015 PMID: 25741868, with internal and published modifications).

Labcorp Genetics (formerly Invitae), Labcorp
Classification: Likely benign for Dilated cardiomyopathy 1G; Autosomal recessive limb-girdle muscular dystrophy type 2J. Last evaluated: 2025-04-23. Review status: criteria provided, single submitter. Criteria: Invitae Variant Classification Sherloc (09022015). Collection method: clinical testing. Allele origin: germline.

Molecular Diagnostic Laboratory for Inherited Cardiovascular Disease, Montreal Heart Institute
Classification: Likely benign. Last evaluated: 2025-04-09. Review status: criteria provided, single submitter. Criteria: ACMG Guidelines, 2015. Collection method: clinical testing. Allele origin: germline. Affected: no.

CHEO Genetics Diagnostic Laboratory, Children's Hospital of Eastern Ontario
Classification: Likely benign for Cardiomyopathy. Last evaluated: 2020-03-17. Review status: criteria provided, single submitter. Criteria: ACMG Guidelines, 2015. Collection method: clinical testing. Allele origin: germline.

NM_001267550.2(TTN):c.35133A>G (p.Glu11711=)

Gene: TTN (titin; minus strand). Cytogenetic location: 2q31.2.
Variant type: single nucleotide variant.
Coding change: c.35133A>G on transcript NM_001267550.2 (MANE Select); coding-DNA position 35133, A replaced by G.
Protein change: p.Glu11711=; no amino-acid change (glutamic acid 11711 retained).
Molecular consequence: synonymous variant. On other transcripts: intron variant (3).
Genome position (GRCh38, 1-based): chr2:178,672,065, T>C on the plus strand (A>G on the coding strand, the complement: TTN is on the minus strand). VCF-style: chr2-178672065-T-C. GRCh37 (hg19) VCF-style: chr2-179536792-T-C.
Other names: c.34011A>G, p.Glu11337= (NM_001256850.1); c.31230A>G, p.Glu10410= (NM_133378.4); c.13283-29748A>G (NM_003319.4); c.13859-29748A>G (NM_133437.4); c.13658-29748A>G (NM_133432.3).
Identifiers: ClinVar variation 1082233 (VCV001082233.12), dbSNP rs377420286, ClinGen allele CA60978886.